The following is an entry in ClinVar:

NM_000059.4(BRCA2):c.4931A>G (p.Glu1644Gly)

Gene: BRCA2 (BRCA2 DNA repair associated; plus strand). Cytogenetic location: 13q13.1.
Variant type: single nucleotide variant.
Coding change: c.4931A>G on transcript NM_000059.4 (MANE Select); coding-DNA position 4931, A replaced by G.
Protein change: p.Glu1644Gly; replaces glutamic acid 1644 with glycine.
Molecular consequence: missense variant. On other transcripts: non-coding transcript variant (1), intron variant (2).
Genome position (GRCh38, 1-based): chr13:32,339,286, A>G. VCF-style: chr13-32339286-A-G. GRCh37 (hg19) VCF-style: chr13-32913423-A-G.
Other names: c.4931A>G, p.Glu1644Gly (NM_001406719.1, NM_001406720.1); c.1910-5272A>G (NM_001406721.1); c.425-5272A>G (NM_001406722.1); short protein forms E1644G.
Identifiers: ClinVar variation 3075171 (VCV003075171.1), dbSNP rs2137511765, ClinGen allele CA387783664.

ClinVar aggregate classification (germline): Uncertain significance (1 of 4 stars; one submission).

Conditions:
Breast-ovarian cancer, familial, susceptibility to, 2 (BROVCA2). Also called: BRCA2 Hereditary Breast and Ovarian Cancer. Identifiers: Orphanet 145, MedGen C2675520, MONDO:0012933, OMIM 612555. Disease mechanism: loss of function.

Submission:

All of Us Research Program, National Institutes of Health
Classification: Uncertain significance for Breast-ovarian cancer, familial, susceptibility to, 2. Last evaluated: 2023-12-18. Review status: criteria provided, single submitter. Criteria: ACMG Guidelines, 2015. Collection method: clinical testing. Allele origin: germline. Inheritance: Autosomal dominant inheritance. Observed: 1 variant allele, 1 heterozygote.
Comment: This missense variant replaces glutamic acid with glycine at codon 1644 of the BRCA2 protein. Computational prediction suggests that this variant may not impact protein structure and function (internally defined REVEL score threshold <= 0.5, PMID: 27666373). To our knowledge, functional studies have not been reported for this variant. This variant has been reported in an individual affected with urothelial carcinoma (PMID: 31857723). This variant has not been identified in the general population by the Genome Aggregation Database (gnomAD). The available evidence is insufficient to determine the role of this variant in disease conclusively. Therefore, this variant is classified as a Variant of Uncertain Significance.

This study involves interpretation of variants in research participants for the purpose of population health screening. Participant phenotype was not available at the time of variant classification. Additional details can be found in publication PMID: 35346344, PMCID: PMC8962531

Literature cited by the submitters: PubMed 31857723.